The following is an entry in ClinVar:

NM_020843.4(SCAPER):c.1035+1G>C

Gene: SCAPER (S-phase cyclin A associated protein in the ER; minus strand). Cytogenetic location: 15q24.3.
Variant type: single nucleotide variant.
Coding change: c.1035+1G>C on transcript NM_020843.4 (MANE Select); the canonical splice donor site of the intron after coding-DNA position 1035, G replaced by C.
Molecular consequence: splice donor variant.
Genome position (GRCh38, 1-based): chr15:76,774,854, C>G on the plus strand (G>C on the coding strand, the complement: SCAPER is on the minus strand). VCF-style: chr15-76774854-C-G. GRCh37 (hg19) VCF-style: chr15-77067195-C-G.
Other names: c.633+1G>C (NM_001353011.2, NM_001353012.2, NM_001353010.2); c.1035+1G>C (NM_001353009.2, NM_001353009.1); c.297+1G>C (NM_001145923.2).
Identifiers: ClinVar variation 4925998 (VCV004925998.2).

ClinVar aggregate classification (germline): Likely pathogenic. Review status: criteria provided, multiple submitters, no conflicts (2 of 4 stars). 2 submissions from 2 submitters: Likely pathogenic (2). Last evaluated 2025-07-20.

Conditions:
SCAPER-related disorder. Also called: SCAPER-related condition.

gnomAD v4.1: 17 of 1,608,822 alleles (0.0011%); highest among the groups gnomAD compares: Non-Finnish European, 0.0014%; no homozygotes.

Submissions (2):

PreventionGenetics, part of Exact Sciences
Classification: Likely pathogenic for SCAPER-related condition. Last evaluated: 2025-07-20. Review status: criteria provided, single submitter. Criteria: ACMG Guidelines, 2015. Collection method: clinical testing. Allele origin: germline.
Comment: The SCAPER c.1035+1G>C variant is predicted to disrupt the GT donor site and interfere with normal splicing. To our knowledge, this variant has not been reported in the literature. This variant is reported in 0.0018% of alleles in individuals of European (Non-Finnish) descent in gnomAD. Nonsense variants in SCAPER are expected to be pathogenic. This variant is interpreted as likely pathogenic.

Blueprint Genetics
Classification: Likely pathogenic for SCAPER-related disorders. Last evaluated: 2024-10-17. Review status: criteria provided, single submitter. Criteria: ACMG Guidelines, 2015. Collection method: clinical testing. Allele origin: germline. Affected: yes. Observed: 2 variant alleles.